The following is an entry in ClinVar:

ClinVar aggregate classification (germline): Uncertain significance (1 of 4 stars; one submission).

Submission:

GeneDx
Classification: Uncertain significance. Last evaluated: 2024-08-21. Review status: criteria provided, single submitter. Criteria: GeneDx Variant Classification Process June 2021. Collection method: clinical testing. Allele origin: germline. Affected: yes.
Comment: Not observed at significant frequency in large population cohorts (gnomAD); In silico analysis indicates that this missense variant does not alter protein structure/function; Has not been previously published as pathogenic or benign to our knowledge

NM_018489.3(ASH1L):c.2419C>T (p.His807Tyr)

Gene: ASH1L (ASH1 like histone lysine methyltransferase; minus strand). Cytogenetic location: 1q22.
Variant type: single nucleotide variant.
Coding change: c.2419C>T on transcript NM_018489.3 (MANE Select); coding-DNA position 2419, C replaced by T.
Protein change: p.His807Tyr; replaces histidine 807 with tyrosine.
Molecular consequence: missense variant.
Genome position (GRCh38, 1-based): chr1:155,480,451, G>A on the plus strand (C>T on the coding strand, the complement: ASH1L is on the minus strand). VCF-style: chr1-155480451-G-A. GRCh37 (hg19) VCF-style: chr1-155450242-G-A.
Other names: c.2419C>T, p.His807Tyr (NM_001366177.2); short protein forms H807Y.
Identifiers: ClinVar variation 3764382 (VCV003764382.1).
Genomic context (GRCh38, chr1:155,480,451, plus strand): 5'-TGGGCTTATAAATATCAGACAAAAGGTCACTAGAGACACACATACTGGAGGATAGTTTGT[G>A]AGTAGCAAAAGACTTATGAGATGGTTTTTCACTATCAGCTAAGAGAGCAAGAGATGGAGC-3'
Protein context (NP_060959.2, residues 797-817): EKPSHKSFAT[His807Tyr]KLSSSMCVSS